The following is an entry in ClinVar:

ClinVar aggregate classification (germline): Likely benign (0 of 4 stars; one submission).

Conditions:
SPAG17-related disorder. Also called: SPAG17-related condition.

Submission:

PreventionGenetics, part of Exact Sciences
Classification: Likely benign for SPAG17-related condition. Last evaluated: 2019-02-25. Review status: no assertion criteria provided. Collection method: clinical testing. Allele origin: germline.
Comment: This variant is classified as likely benign based on ACMG/AMP sequence variant interpretation guidelines (Richards et al. 2015 PMID: 25741868, with internal and published modifications).

NM_206996.4(SPAG17):c.5622-52_5622-8dup

Gene: SPAG17 (sperm associated antigen 17; minus strand). Cytogenetic location: 1p12.
Variant type: Duplication.
Coding change: c.5622-52_5622-8dup on transcript NM_206996.4 (MANE Select); 52 bases into the intron before coding-DNA position 5622 through 8 bases into the intron before coding-DNA position 5622, 45 bases duplicated.
Molecular consequence: intron variant.
Genome position (GRCh38, 1-based): chr1:117,987,889-117,987,933, 45 bases duplicated; duplicating any 45 consecutive bases within chr1:117,987,889-117,987,936 gives the same sequence; the c. name uses the placement nearest the transcript's 3' end. GRCh37 (hg19): chr1:118,530,515-118,530,559.
Identifiers: ClinVar variation 3035513 (VCV003035513.2), dbSNP rs561061443, ClinGen allele CA1033048.